The following is an entry in ClinVar:

NM_000834.5(GRIN2B):c.2510T>C (p.Ile837Thr)

Gene: GRIN2B (glutamate ionotropic receptor NMDA type subunit 2B; minus strand). Cytogenetic location: 12p13.1.
Variant type: single nucleotide variant.
Coding change: c.2510T>C on transcript NM_000834.5 (MANE Select); coding-DNA position 2510, T replaced by C.
Protein change: p.Ile837Thr; replaces isoleucine 837 with threonine.
Molecular consequence: missense variant.
Genome position (GRCh38, 1-based): chr12:13,567,113, A>G on the plus strand (T>C on the coding strand, the complement: GRIN2B is on the minus strand). VCF-style: chr12-13567113-A-G. GRCh37 (hg19) VCF-style: chr12-13720047-A-G.
Other names: short protein forms I837T.
Identifiers: ClinVar variation 560646 (VCV000560646.11), dbSNP rs1565455844, ClinGen allele CA383996207.

ClinVar aggregate classification (germline): Uncertain significance. Review status: criteria provided, multiple submitters, no conflicts (2 of 4 stars). 4 submissions from 4 submitters: Uncertain significance (3). 1 of the submissions does not count toward it. Last evaluated 2021-07-19.

Conditions:
Seizure. Also called: Seizures. Identifiers: MedGen C0036572, HP:0001250.
Intellectual developmental disorder, autosomal dominant 6, with or without seizures. Also called: Intellectual disability, autosomal dominant 6; GRIN2B-related developmental delay, intellectual disability and autism spectrum disorder. Identifiers: Orphanet 589547, MedGen C3151411, MONDO:0013509, OMIM 613970.
Developmental and epileptic encephalopathy, 27 (DEE27). Also called: Epileptic encephalopathy, early infantile, 27; GRIN2B-Related Neurodevelopmental Disorder. Identifiers: Orphanet 3451, MedGen C4015316, MONDO:0014505, OMIM 616139.

Allele frequency attached by ClinVar (database versions not stated): TOPMed below 0.00001; gnomAD exomes below 0.00001.
gnomAD v4.1: 1 of 1,614,196 alleles (0.000062%); highest among the groups gnomAD compares: Non-Finnish European, 0.000085%; no homozygotes.

Submissions (4):

Blueprint Genetics
Classification: Uncertain significance. Last evaluated: 2021-07-19. Review status: criteria provided, single submitter. Criteria: ACMG Guidelines, 2015. Collection method: clinical testing. Allele origin: germline.

Institute of Human Genetics, University of Leipzig Medical Center
Classification: Uncertain significance for Developmental and epileptic encephalopathy, 27. Last evaluated: 2019-01-01. Review status: criteria provided, single submitter. Criteria: ACMG Guidelines, 2015. Collection method: clinical testing. Allele origin: unknown. Affected: yes.

Labcorp Genetics (formerly Invitae), Labcorp
Classification: Uncertain significance for Developmental and epileptic encephalopathy, 27; Intellectual developmental disorder, autosomal dominant 6, with or without seizures. Last evaluated: 2018-03-15. Review status: criteria provided, single submitter. Criteria: Invitae Variant Classification Sherloc (09022015). Collection method: clinical testing. Allele origin: germline.
Comment: In summary, the available evidence is currently insufficient to determine the role of this variant in disease. Therefore, it has been classified as a Variant of Uncertain Significance. Algorithms developed to predict the effect of missense changes on protein structure and function do not agree on the potential impact of this missense change (SIFT: "Deleterious"; PolyPhen-2: "Probably Damaging"; Align-GVGD: "Class C0"). This variant has not been reported in the literature in individuals with GRIN2B-related disease. This variant is not present in population databases (ExAC no frequency). This sequence change replaces isoleucine with threonine at codon 837 of the GRIN2B protein (p.Ile837Thr). The isoleucine residue is highly conserved and there is a moderate physicochemical difference between isoleucine and threonine.

Clinical Molecular Genetics Laboratory, Johns Hopkins All Children's Hospital
Classification: Uncertain significance for seizures. Last evaluated: 2017-01-12. Review status: no assertion criteria provided. Collection method: clinical testing. Allele origin: germline. Affected: yes. Not counted in ClinVar's aggregate classification.